The following is an entry in ClinVar:

ClinVar aggregate classification (germline): Uncertain significance (1 of 4 stars; one submission).

Allele frequency attached by ClinVar (database versions not stated): gnomAD 0.00001; TOPMed 0.00001; ExAC 0.00002.
gnomAD v4.1: 20 of 1,609,562 alleles (0.0012%); highest among the groups gnomAD compares: South Asian, 0.0067%; no homozygotes.

Submission:

Labcorp Genetics (formerly Invitae), Labcorp
Classification: Uncertain significance. Last evaluated: 2021-12-21. Review status: criteria provided, single submitter. Criteria: Invitae Variant Classification Sherloc (09022015). Collection method: clinical testing. Allele origin: germline.
Comment: This variant has not been reported in the literature in individuals affected with FREM1-related conditions. Algorithms developed to predict the effect of sequence changes on RNA splicing suggest that this variant may create or strengthen a splice site. In summary, the available evidence is currently insufficient to determine the role of this variant in disease. Therefore, it has been classified as a Variant of Uncertain Significance. This sequence change falls in intron 13 of the FREM1 gene. It does not directly change the encoded amino acid sequence of the FREM1 protein. This variant is present in population databases (rs778145981, gnomAD 0.01%).

NM_001379081.2(FREM1):c.2170-12C>G

Gene: FREM1 (FRAS1 related extracellular matrix 1; minus strand). Cytogenetic location: 9p22.3.
Variant type: single nucleotide variant.
Coding change: c.2170-12C>G on transcript NM_001379081.2 (MANE Select); 12 bases into the intron before coding-DNA position 2170, C replaced by G.
Molecular consequence: intron variant.
Genome position (GRCh38, 1-based): chr9:14,823,339, G>C on the plus strand (C>G on the coding strand, the complement: FREM1 is on the minus strand). VCF-style: chr9-14823339-G-C. GRCh37 (hg19) VCF-style: chr9-14823337-G-C.
Other names: c.2170-12C>G (NM_144966.7).
Identifiers: ClinVar variation 1354073 (VCV001354073.6), dbSNP rs778145981, ClinGen allele CA4991009.
Genomic context (GRCh38, chr9:14,823,339, plus strand): 5'-TGTCTTGCATGGGGGGCATGTAGGCCACTTTCATATAGTTCACAGCATGCTGCAAAGTAA[G>C]TTGAGATGGATATGTGGGTGCTGACTTGCAAGGATCAAAAGCTTTTAGAGGTCCAAGAGA-3'